The following is an entry in ClinVar:

NM_006904.7(PRKDC):c.3461C>T (p.Pro1154Leu)

Gene: PRKDC (protein kinase, DNA-activated, catalytic subunit; minus strand). Cytogenetic location: 8q11.21.
Variant type: single nucleotide variant.
Coding change: c.3461C>T on transcript NM_006904.7 (MANE Select); coding-DNA position 3461, C replaced by T.
Protein change: p.Pro1154Leu; replaces proline 1154 with leucine.
Molecular consequence: missense variant.
Genome position (GRCh38, 1-based): chr8:47,898,473, G>A on the plus strand (C>T on the coding strand, the complement: PRKDC is on the minus strand). VCF-style: chr8-47898473-G-A. GRCh37 (hg19) VCF-style: chr8-48811033-G-A.
Other names: c.3461C>T, p.Pro1154Leu (NM_001081640.2); short protein forms P1154L.
Identifiers: ClinVar variation 1731648 (VCV001731648.6), dbSNP rs1205921869, ClinGen allele CA371154296.
Genomic context (GRCh38, chr8:47,898,473, plus strand): 5'-GCTGTGAATTAGTTTTATGTTGTGGGAAAAGACGGAAAAGGAAGCAAGATCACCTACCGC[G>A]GCAAACGTCGTTTCTTTGCTTTATTTAAAGAAACATGCTTCTTTTCAATGATGCGGCATA-3'
Protein context (NP_008835.5, residues 1144-1164): SLNKAKKRRL[Pro1154Leu]RGFPPSASLC

ClinVar aggregate classification (germline): Uncertain significance. Review status: criteria provided, multiple submitters, no conflicts (2 of 4 stars). 2 submissions from 2 submitters: Uncertain significance (2). Last evaluated 2022-05-21.

Conditions:
Severe combined immunodeficiency due to DNA-PKcs deficiency. Also called: IMMUNODEFICIENCY 26 WITH NEUROLOGIC ABNORMALITIES; Immunodeficiency 26 with or without neurologic abnormalities. Identifiers: Orphanet 317425, MedGen C4014833, MONDO:0014423, OMIM 615966.

Allele frequency attached by ClinVar (database versions not stated): gnomAD exomes 0.00003.
gnomAD v4.1: 44 of 1,551,948 alleles (0.0028%); highest among the groups gnomAD compares: Non-Finnish European, 0.0037%; no homozygotes.

Submissions (2):

Labcorp Genetics (formerly Invitae), Labcorp
Classification: Uncertain significance for Severe combined immunodeficiency due to DNA-PKcs deficiency. Last evaluated: 2022-05-21. Review status: criteria provided, single submitter. Criteria: Invitae Variant Classification Sherloc (09022015). Collection method: clinical testing. Allele origin: germline.
Comment: In summary, the available evidence is currently insufficient to determine the role of this variant in disease. Therefore, it has been classified as a Variant of Uncertain Significance. Experimental studies and prediction algorithms are not available or were not evaluated, and the functional significance of this variant is currently unknown. This variant has not been reported in the literature in individuals affected with PRKDC-related conditions. The frequency data for this variant in the population databases is considered unreliable, as metrics indicate poor data quality at this position in the gnomAD database. This sequence change replaces proline, which is neutral and non-polar, with leucine, which is neutral and non-polar, at codon 1154 of the PRKDC protein (p.Pro1154Leu).

Ambry Genetics
Classification: Uncertain significance. Last evaluated: 2022-01-16. Review status: criteria provided, single submitter. Criteria: Ambry Variant Classification Scheme 2023. Collection method: clinical testing. Allele origin: germline.
Comment: The p.P1154L variant (also known as c.3461C>T), located in coding exon 29 of the PRKDC gene, results from a C to T substitution at nucleotide position 3461. The proline at codon 1154 is replaced by leucine, an amino acid with similar properties. This amino acid position is conserved. In addition, this alteration is predicted to be tolerated by in silico analysis. Since supporting evidence is limited at this time, the clinical significance of this alteration remains unclear.